The following is an entry in ClinVar:

ClinVar aggregate classification (germline): Uncertain significance (1 of 4 stars; one submission).

Conditions:
PURA-related severe neonatal hypotonia-seizures-encephalopathy syndrome (NEDRIHF). Also called: NEURODEVELOPMENTAL DISORDER WITH NEONATAL RESPIRATORY INSUFFICIENCY, HYPOTONIA, AND FEEDING DIFFICULTIES; PURA-Related Neurodevelopmental Disorders. Identifiers: Orphanet 438213, Orphanet 438216, MedGen C4015357, MONDO:1060108, OMIM 616158, MONDO:0018580.

Submission:

Labcorp Genetics (formerly Invitae), Labcorp
Classification: Uncertain significance for PURA-related severe neonatal hypotonia-seizures-encephalopathy syndrome. Last evaluated: 2025-02-04. Review status: criteria provided, single submitter. Criteria: Invitae Variant Classification Sherloc (09022015). Collection method: clinical testing. Allele origin: germline.
Comment: This variant, c.112_126del, results in the deletion of 5 amino acid(s) of the PURA protein (p.Gly38_Gly42del), but otherwise preserves the integrity of the reading frame. The frequency data for this variant in the population databases is considered unreliable, as metrics indicate insufficient coverage at this position in the gnomAD database. This variant has not been reported in the literature in individuals affected with PURA-related conditions. Experimental studies and prediction algorithms are not available or were not evaluated, and the functional significance of this variant is currently unknown. In summary, the available evidence is currently insufficient to determine the role of this variant in disease. Therefore, it has been classified as a Variant of Uncertain Significance.

NM_005859.5(PURA):c.112_126del (p.Gly38_Gly42del)

Gene: PURA (purine rich element binding protein A; plus strand). Cytogenetic location: 5q31.3.
Variant type: Deletion.
Coding change: c.112_126del on transcript NM_005859.5 (MANE Select); coding-DNA positions 112 to 126, 15 bases deleted (GGGGGCGGCGGCGGC).
Protein change: p.Gly38_Gly42del.
Molecular consequence: inframe deletion.
Genome position (GRCh38, 1-based): chr5:140,114,293-140,114,307, GGGGGCGGCGGCGGC deleted; deleting any 15 consecutive bases within chr5:140,114,287-140,114,307 gives the same sequence; the c. name uses the placement nearest the transcript's 3' end. VCF-style (leftmost placement, unchanged base first): chr5-140114286-TGGCGGCGGGGGCGGC-T. GRCh37 (hg19) VCF-style: chr5-139493871-TGGCGGCGGGGGCGGC-T.
Identifiers: ClinVar variation 4754683 (VCV004754683.1).